The following is an entry in ClinVar:

ClinVar aggregate classification (germline): Uncertain significance (1 of 4 stars; one submission).

Conditions:
Amyotrophic lateral sclerosis type 4 (ALS4). Also called: AMYOTROPHIC LATERAL SCLEROSIS 4, JUVENILE; NEURONOPATHY, DISTAL HEREDITARY MOTOR, WITH PYRAMIDAL FEATURES. Identifiers: Orphanet 357043, MedGen C1865409, MONDO:0011223, OMIM 602433.
Spinocerebellar ataxia, autosomal recessive, with axonal neuropathy 2 (SCAN2). Also called: Ataxia with Oculomotor Apraxia Type 2; ATAXIA-OCULOMOTOR APRAXIA 2; Ataxia-ocular apraxia-2; Ataxia with Oculomotor Apraxia. Identifiers: Orphanet 64753, MedGen C1853761, MONDO:0018996, OMIM 606002.

Submission:

Labcorp Genetics (formerly Invitae), Labcorp
Classification: Uncertain significance for Amyotrophic lateral sclerosis type 4; Spinocerebellar ataxia, autosomal recessive, with axonal neuropathy 2. Last evaluated: 2023-04-08. Review status: criteria provided, single submitter. Criteria: Invitae Variant Classification Sherloc (09022015). Collection method: clinical testing. Allele origin: germline.
Comment: In summary, the available evidence is currently insufficient to determine the role of this variant in disease. Therefore, it has been classified as a Variant of Uncertain Significance. Advanced modeling of protein sequence and biophysical properties (such as structural, functional, and spatial information, amino acid conservation, physicochemical variation, residue mobility, and thermodynamic stability) performed at Invitae indicates that this missense variant is not expected to disrupt SETX protein function. This variant has not been reported in the literature in individuals affected with SETX-related conditions. This variant is not present in population databases (gnomAD no frequency). This sequence change replaces threonine, which is neutral and polar, with proline, which is neutral and non-polar, at codon 1067 of the SETX protein (p.Thr1067Pro).

NM_015046.7(SETX):c.3199A>C (p.Thr1067Pro)

Gene: SETX (senataxin; minus strand). Cytogenetic location: 9q34.13.
Variant type: single nucleotide variant.
Coding change: c.3199A>C on transcript NM_015046.7 (MANE Select); coding-DNA position 3199, A replaced by C.
Protein change: p.Thr1067Pro; replaces threonine 1067 with proline.
Molecular consequence: missense variant.
Genome position (GRCh38, 1-based): chr9:132,328,399, T>G on the plus strand (A>C on the coding strand, the complement: SETX is on the minus strand). VCF-style: chr9-132328399-T-G. GRCh37 (hg19) VCF-style: chr9-135203786-T-G.
Other names: c.3199A>C, p.Thr1067Pro (NM_001351527.2, NM_001351528.2); short protein forms T1067P.
Identifiers: ClinVar variation 2945887 (VCV002945887.3), dbSNP rs1355488297, ClinGen allele CA375331664.